The following is an entry in ClinVar:

ClinVar aggregate classification (germline): Uncertain significance (1 of 4 stars; one submission).

Submission:

Labcorp Genetics (formerly Invitae), Labcorp
Classification: Uncertain significance. Last evaluated: 2020-08-06. Review status: criteria provided, single submitter. Criteria: Invitae Variant Classification Sherloc (09022015). Collection method: clinical testing. Allele origin: germline.
Comment: This variant is not present in population databases (ExAC no frequency). This sequence change replaces glycine with alanine at codon 980 of the MSH3 protein (p.Gly980Ala). The glycine residue is moderately conserved and there is a small physicochemical difference between glycine and alanine. In summary, the available evidence is currently insufficient to determine the role of this variant in disease. Therefore, it has been classified as a Variant of Uncertain Significance. Algorithms developed to predict the effect of missense changes on protein structure and function are either unavailable or do not agree on the potential impact of this missense change (SIFT: "Deleterious"; PolyPhen-2: "Probably Damaging"; Align-GVGD: "Class C0"). This variant has not been reported in the literature in individuals with MSH3-related conditions.

NM_002439.5(MSH3):c.2939G>C (p.Gly980Ala)

Gene: MSH3 (mutS homolog 3; plus strand). Cytogenetic location: 5q14.1.
Variant type: single nucleotide variant.
Coding change: c.2939G>C on transcript NM_002439.5 (MANE Select); coding-DNA position 2939, G replaced by C.
Protein change: p.Gly980Ala; replaces glycine 980 with alanine.
Molecular consequence: missense variant.
Genome position (GRCh38, 1-based): chr5:80,854,255, G>C. VCF-style: chr5-80854255-G-C. GRCh37 (hg19) VCF-style: chr5-80150074-G-C.
Other names: short protein forms G980A.
Identifiers: ClinVar variation 1026493 (VCV001026493.8), dbSNP rs1745879445, ClinGen allele CA360275733.